The following is an entry in ClinVar:

NM_014846.4(WASHC5):c.3291G>A (p.Ala1097=)

Genes: WASHC5 (WASH complex subunit 5; minus strand), LOC126860498 (P300/CBP strongly-dependent group 1 enhancer GRCh37_chr8:126043836-126045035; plus strand). Cytogenetic location: 8q24.13.
Variant type: single nucleotide variant.
Coding change: c.3291G>A on transcript NM_014846.4 (MANE Select); coding-DNA position 3291, G replaced by A.
Protein change: p.Ala1097=; no amino-acid change (alanine 1097 retained).
Molecular consequence: synonymous variant.
Genome position (GRCh38, 1-based): chr8:125,032,285, C>T on the plus strand (G>A on the coding strand, the complement: WASHC5 is on the minus strand). VCF-style: chr8-125032285-C-T. GRCh37 (hg19) VCF-style: chr8-126044527-C-T.
Other names: p.Ala1097=; c.2847G>A, p.Ala949= (NM_001330609.2).
Identifiers: ClinVar variation 129376 (VCV000129376.25), dbSNP rs11542889, ClinGen allele CA153332.

ClinVar aggregate classification (germline): Benign. Review status: criteria provided, multiple submitters, no conflicts (2 of 4 stars). 9 submissions from 9 submitters: Benign (8). 1 of the submissions does not count toward it. Last evaluated 2026-02-01.

Conditions:
Ritscher-Schinzel syndrome. Also called: CRANIOCEREBELLOCARDIAC DYSPLASIA. Identifiers: Orphanet 7, MedGen C0796137, MONDO:0019078.
Hereditary spastic paraplegia 8 (SPG8). Also called: SPASTIC PARAPLEGIA 8, AUTOSOMAL DOMINANT. Identifiers: Orphanet 100989, MedGen C1863704, MONDO:0011339, OMIM 603563.
Hereditary spastic paraplegia. Also called: Familial spastic paraparesis. Identifiers: Orphanet 685, MedGen C0037773, MONDO:0019064. Disease mechanism: loss of function.

Allele frequency attached by ClinVar (database versions not stated): gnomAD exomes 0.04449 and 0.06091; ExAC 0.06640; gnomAD 0.13604 and 0.14383; 1000 Genomes Project 0.13678; TOPMed 0.14315; 1000 Genomes Project 30x 0.14350; ESP Exome Variant Server 0.14785.
gnomAD v4.1: 86,373 of 1,613,874 alleles (5.4%); highest among the groups gnomAD compares: African/African-American, 38%; 6,907 homozygotes.

Submissions (9):

Labcorp Genetics (formerly Invitae), Labcorp
Classification: Benign for Ritscher-Schinzel syndrome; Hereditary spastic paraplegia 8. Last evaluated: 2026-02-01. Review status: criteria provided, single submitter. Criteria: Invitae Variant Classification Sherloc (09022015). Collection method: clinical testing. Allele origin: germline.

Blueprint Genetics
Classification: Benign. Last evaluated: 2024-11-27. Review status: criteria provided, single submitter. Criteria: ACMG Guidelines, 2015. Collection method: clinical testing. Allele origin: germline.

Illumina Laboratory Services, Illumina
Classification: Benign for Hereditary spastic paraplegia 8. Last evaluated: 2018-01-13. Review status: criteria provided, single submitter. Criteria: ICSL Variant Classification Criteria 13 December 2019. Collection method: clinical testing. Allele origin: germline.
Comment: This variant was observed in the ICSL laboratory as part of a predisposition screen in an ostensibly healthy population. It had not been previously curated by ICSL or reported in the Human Gene Mutation Database (HGMD: prior to June 1st, 2018), and was therefore a candidate for classification through an automated scoring system. Utilizing variant allele frequency, disease prevalence and penetrance estimates, and inheritance mode, an automated score was calculated to assess if this variant is too frequent to cause the disease. Based on the score and internal cut-off values, a variant classified as benign is not then subjected to further curation. The score for this variant resulted in a classification of benign for this disease.

Athena Diagnostics
Classification: Benign for Hereditary spastic paraplegia 8. Last evaluated: 2017-04-27. Review status: criteria provided, single submitter. Criteria: Athena Diagnostics Criteria. Collection method: clinical testing. Allele origin: germline.

Genome Diagnostics Laboratory, The Hospital for Sick Children
Classification: Benign for Hereditary spastic paraplegia. Last evaluated: 2016-12-12. Review status: criteria provided, single submitter. Criteria: ACMG Guidelines, 2015. Collection method: clinical testing. Allele origin: germline. Affected: yes.

Mayo Clinic Laboratories, Mayo Clinic
Classification: Benign. Last evaluated: 2016-04-28. Review status: criteria provided, single submitter. Criteria: ACMG Guidelines, 2015. Collection method: clinical testing. Allele origin: germline. Observed: 192 variant alleles.

GeneDx
Classification: Benign. Last evaluated: 2016-03-11. Review status: criteria provided, single submitter. Criteria: GeneDx Variant Classification (06012015). Collection method: clinical testing. Allele origin: germline. Affected: yes.
Comment: This variant is considered likely benign or benign based on one or more of the following criteria: it is a conservative change, it occurs at a poorly conserved position in the protein, it is predicted to be benign by multiple in silico algorithms, and/or has population frequency not consistent with disease.

Breakthrough Genomics
Classification: Benign. Review status: criteria provided, single submitter. Criteria: ACMG Guidelines, 2015. Collection method: not provided. Allele origin: germline. Inheritance: Autosomal recessive inheritance. Affected: yes.

Genetic Services Laboratory, University of Chicago
Classification: Likely benign for AllHighlyPenetrant. Review status: no assertion criteria provided. Collection method: clinical testing. Allele origin: germline. Inheritance: Autosomal dominant inheritance. Not counted in ClinVar's aggregate classification.
Comment: Likely benign based on allele frequency in 1000 Genomes Project or ESP global frequency and its presence in a patient with a rare or unrelated disease phenotype. NOT Sanger confirmed.